The following is an entry in ClinVar:

ClinVar aggregate classification (germline): Uncertain significance (1 of 4 stars; one submission).

Conditions:
Familial adenomatous polyposis 2. Also called: MYH-associated polyposis; Adenomas, multiple colorectal; COLORECTAL ADENOMATOUS POLYPOSIS, AUTOSOMAL RECESSIVE; ADENOMAS, MULTIPLE COLORECTAL, AUTOSOMAL RECESSIVE; FAP type 2; MUTYH Polyposis. Identifiers: Orphanet 220460, Orphanet 247798, MedGen C3272841, MONDO:0012041, OMIM 608456.

Submission:

Labcorp Genetics (formerly Invitae), Labcorp
Classification: Uncertain significance for Familial adenomatous polyposis 2. Last evaluated: 2024-04-05. Review status: criteria provided, single submitter. Criteria: Invitae Variant Classification Sherloc (09022015). Collection method: clinical testing. Allele origin: germline.
Comment: This sequence change replaces glycine, which is neutral and non-polar, with glutamic acid, which is acidic and polar, at codon 400 of the MUTYH protein (p.Gly400Glu). This variant is not present in population databases (gnomAD no frequency). This variant has not been reported in the literature in individuals affected with MUTYH-related conditions. ClinVar contains an entry for this variant (Variation ID: 1505443). An algorithm developed to predict the effect of missense changes on protein structure and function (PolyPhen-2) suggests that this variant is likely to be disruptive. In summary, the available evidence is currently insufficient to determine the role of this variant in disease. Therefore, it has been classified as a Variant of Uncertain Significance.

NM_001048174.2(MUTYH):c.1115G>A (p.Gly372Glu)

Gene: MUTYH (mutY DNA glycosylase; minus strand). Cytogenetic location: 1p34.1.
Variant type: single nucleotide variant.
Coding change: c.1115G>A on transcript NM_001048174.2 (MANE Select); coding-DNA position 1115, G replaced by A.
Protein change: p.Gly372Glu; replaces glycine 372 with glutamic acid.
Molecular consequence: missense variant. On other transcripts: non-coding transcript variant (2).
Genome position (GRCh38, 1-based): chr1:45,331,544, C>T on the plus strand (G>A on the coding strand, the complement: MUTYH is on the minus strand). VCF-style: chr1-45331544-C-T. GRCh37 (hg19) VCF-style: chr1-45797216-C-T.
Other names: c.770G>A, p.Gly257Glu (NM_001350651.2, NM_001350650.2); c.1190G>A, p.Gly397Glu (NM_012222.3); c.1115G>A, p.Gly372Glu (NM_001048171.2, NM_001048173.2, NM_001293195.2); c.1118G>A, p.Gly373Glu (NM_001048172.2); c.1199G>A, p.Gly400Glu (NM_001128425.2); c.1160G>A, p.Gly387Glu (NM_001293190.2); c.1148G>A, p.Gly383Glu (NM_001293191.2); c.839G>A, p.Gly280Glu (NM_001293192.2, NM_001293196.2); short protein forms G257E, G373E, G280E, G383E, G387E, G397E, G400E, G372E.
Identifiers: ClinVar variation 1505443 (VCV001505443.6), dbSNP rs2149121800, ClinGen allele CA340133158.
Genomic context (GRCh38, chr1:45,331,544, plus strand): 5'-AGGGCCTTGCGCTGAAGCTGCTCTGAGGGCTCCCAGGTCACGGACGGGAACTCCCACAGT[C>T]CTGCCAGCAGACCTGAGAGGGAGGGCAGCCAGGCAGGGGTCAGGCCTCAGCTGCCGATTC-3'
Protein context (NP_001041639.1, residues 362-382): VQRPNSGLLA[Gly372Glu]LWEFPSVTWE